The following is an entry in ClinVar:

ClinVar aggregate classification (germline): Uncertain significance (1 of 4 stars; one submission).

Conditions:
Wilms tumor 1 (WT1). Also called: Wilms tumor, somatic. Identifiers: Orphanet 654, MedGen CN033288, MONDO:0008679, OMIM 194070.
11p partial monosomy syndrome (WAGR). Also called: CHROMOSOME 11p13 DELETION SYNDROME; WAGR syndrome; WAGR Spectrum Disorder; WAGR Complex. Identifiers: Orphanet 893, MedGen C0206115, MONDO:0008681, OMIM 194072.
Drash syndrome (DDS). Also called: NEPHROPATHY, WILMS TUMOR, AND GENITAL ANOMALIES; WILMS TUMOR AND PSEUDO- OR TRUE HERMAPHRODITISM. Identifiers: Orphanet 220, MedGen C0950121, MONDO:0008682, OMIM 194080.
Frasier syndrome. Identifiers: Orphanet 347, MedGen C0950122, MeSH D052159, MONDO:0007635, OMIM 136680.

Submission:

Labcorp Genetics (formerly Invitae), Labcorp
Classification: Uncertain significance for Wilms tumor 1; Drash syndrome; 11p partial monosomy syndrome; Frasier syndrome. Last evaluated: 2021-12-14. Review status: criteria provided, single submitter. Criteria: Invitae Variant Classification Sherloc (09022015). Collection method: clinical testing. Allele origin: germline.
Comment: In summary, the available evidence is currently insufficient to determine the role of this variant in disease. Therefore, it has been classified as a Variant of Uncertain Significance. Algorithms developed to predict the effect of missense changes on protein structure and function (SIFT, PolyPhen-2, Align-GVGD) all suggest that this variant is likely to be tolerated. This variant has not been reported in the literature in individuals affected with WT1-related conditions. This variant is not present in population databases (gnomAD no frequency). This sequence change replaces proline, which is neutral and non-polar, with threonine, which is neutral and polar, at codon 210 of the WT1 protein (p.Pro210Thr).

NM_024426.6(WT1):c.643C>A (p.Pro215Thr)

Genes: WT1 (WT1 transcription factor; minus strand), LOC107982234 (WT1/WT1-AS bi-directional promoter region; plus strand). Cytogenetic location: 11p13.
Variant type: single nucleotide variant.
Coding change: c.643C>A on transcript NM_024426.6 (MANE Select); coding-DNA position 643, C replaced by A.
Protein change: p.Pro215Thr; replaces proline 215 with threonine.
Molecular consequence: missense variant. On other transcripts: non-coding transcript variant (1).
Genome position (GRCh38, 1-based): chr11:32,434,718, G>T on the plus strand (C>A on the coding strand, the complement: WT1 is on the minus strand). VCF-style: chr11-32434718-G-T. GRCh37 (hg19) VCF-style: chr11-32456264-G-T.
Other names: c.643C>A, p.Pro215Thr (NM_000378.6, NM_001407044.1, NM_001407045.1 and 6 more transcripts); c.628C>A, p.Pro210Thr (NM_024425.2); short protein forms P210T, P215T.
Identifiers: ClinVar variation 1983690 (VCV001983690.4), dbSNP rs1238354637, ClinGen allele CA379964440.